The following is an entry in ClinVar:

ClinVar aggregate classification (germline): Uncertain significance (1 of 4 stars; one submission).

Conditions:
Myoclonic dystonia 11 (DYT11). Also called: DYT-SGCE; Myoclonic dystonia; Dystonia 11; Dystonia, alcohol responsive; Hereditary essential myoclonus; SGCE Myoclonus-Dystonia. Identifiers: Orphanet 36899, MedGen C1834570, MONDO:0008044, OMIM 159900.

Allele frequency attached by ClinVar (database versions not stated): gnomAD exomes below 0.00001.
gnomAD v4.1: 2 of 1,609,606 alleles (0.00012%); highest among the groups gnomAD compares: Non-Finnish European, 0.00017%; no homozygotes.

Submission:

Labcorp Genetics (formerly Invitae), Labcorp
Classification: Uncertain significance for Myoclonic dystonia 11. Last evaluated: 2025-08-29. Review status: criteria provided, single submitter. Criteria: Invitae Variant Classification Sherloc (09022015). Collection method: clinical testing. Allele origin: germline.
Comment: This sequence change replaces methionine, which is neutral and non-polar, with threonine, which is neutral and polar, at codon 351 of the SGCE protein (p.Met351Thr). This variant is not present in population databases (gnomAD no frequency). This variant has not been reported in the literature in individuals affected with SGCE-related conditions. ClinVar contains an entry for this variant (Variation ID: 2000060). Invitae Evidence Modeling of protein sequence and biophysical properties (such as structural, functional, and spatial information, amino acid conservation, physicochemical variation, residue mobility, and thermodynamic stability) indicates that this missense variant is not expected to disrupt SGCE protein function with a negative predictive value of 80%. In summary, the available evidence is currently insufficient to determine the role of this variant in disease. Therefore, it has been classified as a Variant of Uncertain Significance.

NM_003919.3(SGCE):c.1052T>C (p.Met351Thr)

Genes: CASD1 (CAS1 domain sialic acid O acetyltransferase 1; plus strand), SGCE (sarcoglycan epsilon; minus strand). Cytogenetic location: 7q21.3.
Variant type: single nucleotide variant.
Coding change: c.1052T>C on transcript NM_003919.3 (MANE Select); coding-DNA position 1052, T replaced by C.
Protein change: p.Met351Thr; replaces methionine 351 with threonine.
Molecular consequence: missense variant. On other transcripts: intron variant (6).
Genome position (GRCh38, 1-based): chr7:94,599,709, A>G on the plus strand (T>C on the coding strand, the complement: SGCE is on the minus strand). VCF-style: chr7-94599709-A-G. GRCh37 (hg19) VCF-style: chr7-94229021-A-G.
Other names: c.1052T>C, p.Met351Thr (NM_001099401.2); c.929T>C, p.Met310Thr (NM_001301139.2); c.1160T>C, p.Met387Thr (NM_001346713.2); c.965T>C, p.Met322Thr (NM_001346719.2); c.779T>C, p.Met260Thr (NM_001346720.2); c.915-746T>C (NM_001362809.2); c.1038-746T>C (NM_001346717.2, NM_001099400.2); c.1146-746T>C (NM_001346715.2); and 2 more; short protein forms M260T, M351T, M310T, M322T, M387T.
Identifiers: ClinVar variation 2000060 (VCV002000060.4), dbSNP rs2484932328, ClinGen allele CA368229612.